The following is an entry in ClinVar:

NM_000256.3(MYBPC3):c.1051A>G (p.Arg351Gly)

Gene: MYBPC3 (myosin binding protein C3; minus strand). Cytogenetic location: 11p11.2.
Variant type: single nucleotide variant.
Coding change: c.1051A>G on transcript NM_000256.3 (MANE Select); coding-DNA position 1051, A replaced by G.
Protein change: p.Arg351Gly; replaces arginine 351 with glycine.
Molecular consequence: missense variant.
Genome position (GRCh38, 1-based): chr11:47,346,246, T>C on the plus strand (A>G on the coding strand, the complement: MYBPC3 is on the minus strand). VCF-style: chr11-47346246-T-C. GRCh37 (hg19) VCF-style: chr11-47367797-T-C.
Other names: short protein forms R351G.
Identifiers: ClinVar variation 2046179 (VCV002046179.4), dbSNP rs2495770528, ClinGen allele CA380331170.

ClinVar aggregate classification (germline): Uncertain significance (1 of 4 stars; one submission).

Conditions:
Hypertrophic cardiomyopathy. Also called: HYPERTROPHIC MYOCARDIOPATHY. Identifiers: Orphanet 217569, MedGen C0007194, MeSH D002312, MONDO:0005045, HP:0001639.

Submission:

Labcorp Genetics (formerly Invitae), Labcorp
Classification: Uncertain significance for Hypertrophic cardiomyopathy. Last evaluated: 2021-12-18. Review status: criteria provided, single submitter. Criteria: Invitae Variant Classification Sherloc (09022015). Collection method: clinical testing. Allele origin: germline.
Comment: In summary, the available evidence is currently insufficient to determine the role of this variant in disease. Therefore, it has been classified as a Variant of Uncertain Significance. Algorithms developed to predict the effect of missense changes on protein structure and function (SIFT, PolyPhen-2, Align-GVGD) all suggest that this variant is likely to be disruptive. This variant has not been reported in the literature in individuals affected with MYBPC3-related conditions. This variant is not present in population databases (gnomAD no frequency). This sequence change replaces arginine, which is basic and polar, with glycine, which is neutral and non-polar, at codon 351 of the MYBPC3 protein (p.Arg351Gly).